The following is an entry in ClinVar:

NM_001130987.2(DYSF):c.4659del (p.Phe1554fs)

Gene: DYSF (dysferlin; plus strand). Cytogenetic location: 2p13.2.
Variant type: Deletion.
Coding change: c.4659del on transcript NM_001130987.2 (MANE Select); coding-DNA position 4659, one base deleted (C; older notation c.4659delC).
Protein change: p.Phe1554fs; shifts the reading frame from phenylalanine 1554.
Molecular consequence: frameshift variant.
Genome position (GRCh38, 1-based): chr2:71,656,194, C deleted; the last of 2 consecutive C bases (chr2:71,656,193-71,656,194); deleting either gives the same sequence. VCF-style (leftmost placement, unchanged base first): chr2-71656192-GC-G. GRCh37 (hg19) VCF-style: chr2-71883322-GC-G.
Other names: c.4545del, p.Phe1516fs (NM_001130455.2); c.4500del, p.Phe1501fs (NM_001130976.2); c.4563del, p.Phe1522fs (NM_001130977.2); c.4605del, p.Phe1536fs (NM_001130978.2); c.4635del, p.Phe1546fs (NM_001130979.2); c.4593del, p.Phe1532fs (NM_001130980.2); c.4656del, p.Phe1553fs (NM_001130981.2); c.4638del, p.Phe1547fs (NM_001130982.2); and 5 more; short protein forms F1501fs, F1502fs, F1515fs, F1516fs, F1522fs, F1523fs, F1532fs, F1533fs.
Identifiers: ClinVar variation 5011408 (VCV005011408.1).

ClinVar aggregate classification (germline): Pathogenic (1 of 4 stars; one submission).

Conditions:
Autosomal recessive limb-girdle muscular dystrophy. Identifiers: Orphanet 102015, MedGen C2931907, MONDO:0015152.

Submission:

Myriad Genetics, Inc.
Classification: Pathogenic for Autosomal recessive limb-girdle muscular dystrophy. Last evaluated: 2023-08-20. Review status: criteria provided, single submitter. Criteria: Myriad Autosomal Dominant, Autosomal Recessive and X-Linked Classification Criteria (2023). Collection method: clinical testing. Allele origin: unknown.
Comment: NM_003494.3(DYSF):c.4542delC(F1515Lfs*27) is expected to be pathogenic in the context of dysferlinopathy. This variant is predicted to lead to an abnormal or absent protein product due to the creation of a premature termination codon in DYSF, a gene where loss-of-function variants are known to be pathogenic. Please note: this variant was assessed in the context of healthy population screening.